The following is an entry in ClinVar:

ClinVar aggregate classification (germline): Uncertain significance (1 of 4 stars; one submission).

Conditions:
Cerebellar dysfunction with variable cognitive and behavioral abnormalities (CECBA). Also called: Nonprogressive cerebellar atxia with intellectual disability. Identifiers: Orphanet 314647, MedGen C3553661, MONDO:0013886, OMIM 614756.

Submission:

3billion
Classification: Uncertain significance for Cerebellar dysfunction with variable cognitive and behavioral abnormalities. Last evaluated: 2026-01-12. Review status: criteria provided, single submitter. Criteria: ACMG Guidelines, 2015. Collection method: clinical testing. Allele origin: germline. Affected: yes.
Comment: The variant is not observed in the gnomAD v4.1.0 dataset. Predicted Consequence/Location: Intron variant In silico tools predict the variant to alter splicing and produce an abnormal transcript [SpliceAI: 0.28 (>=0.2, moderate evidence for spliceogenicity)]. Therefore, this variant is classified as VUS according to the recommendation of ACMG/AMP guideline.

NM_015215.4(CAMTA1):c.664+46C>T

Gene: CAMTA1 (calmodulin binding transcription activator 1; plus strand). Cytogenetic location: 1p36.23.
Variant type: single nucleotide variant.
Coding change: c.664+46C>T on transcript NM_015215.4 (MANE Select); 46 bases into the intron after coding-DNA position 664, C replaced by T.
Molecular consequence: intron variant.
Genome position (GRCh38, 1-based): chr1:7,640,599, C>T. VCF-style: chr1-7640599-C-T. GRCh37 (hg19) VCF-style: chr1-7700659-C-T.
Other names: c.664+46C>T (NM_001349609.2, NM_001349610.2, NM_001410737.1); c.592+46C>T (NM_001410738.1); c.574+46C>T (NM_001349608.2, NM_001349612.2).
Identifiers: ClinVar variation 4854036 (VCV004854036.1).